The following is an entry in ClinVar:

NM_000352.6(ABCC8):c.1177-1G>A

Gene: ABCC8 (ATP binding cassette subfamily C member 8; minus strand). Cytogenetic location: 11p15.1.
Variant type: single nucleotide variant.
Coding change: c.1177-1G>A on transcript NM_000352.6 (MANE Select); the canonical splice acceptor site of the intron before coding-DNA position 1177, G replaced by A.
Molecular consequence: splice acceptor variant.
Genome position (GRCh38, 1-based): chr11:17,448,672, C>T on the plus strand (G>A on the coding strand, the complement: ABCC8 is on the minus strand). VCF-style: chr11-17448672-C-T. GRCh37 (hg19) VCF-style: chr11-17470219-C-T.
Other names: c.1174-1G>A (NM_001351297.2, NM_001351296.2); c.1177-1G>A (NM_001351295.2, NM_001287174.3, NM_000352.4).
Identifiers: ClinVar variation 556901 (VCV000556901.9), dbSNP rs1167993548, ClinGen allele CA379768836.

ClinVar aggregate classification (germline): Conflicting classifications of pathogenicity. Review status: criteria provided, conflicting classifications (1 of 4 stars). 6 submissions from 5 submitters: Likely pathogenic (3); Uncertain significance (2). 1 of the submissions does not count toward it. Last evaluated 2025-03-28.

Conditions:
Maturity-onset diabetes of the young (MODY). Also called: Maturity onset diabetes mellitus in young. Identifiers: Orphanet 552, MedGen C0342276, MONDO:0018911, HP:0004904.
Hyperinsulinemic hypoglycemia, familial, 1 (HHF1). Also called: HYPERINSULINISM, FAMILIAL, WITH PANCREATIC NESIDIOBLASTOSIS; HYPOGLYCEMIA, HYPERINSULINEMIC, OF INFANCY; Persistent hyperinsulinemic hypoglycemia of infancy; NESIDIOBLASTOSIS OF PANCREAS; Persistent Hyperinsulinemia Hypoglycemia of Infancy. Identifiers: Orphanet 276575, Orphanet 276598, MedGen C2931832, MONDO:0009734, OMIM 256450.
Diabetes mellitus, transient neonatal, 2 (TNDM2). Identifiers: Orphanet 99886, MedGen C1835887, MONDO:0012480, OMIM 610374. Disease mechanism: loss of function.
Diabetes mellitus, permanent neonatal 3. Also called: ABCC8-Related Permanent Neonatal Diabetes Mellitus. Identifiers: MedGen C5394303, MONDO:0030088, OMIM 618857.
Leucine-induced hypoglycemia (LIH). Also called: LEUCINE-SENSITIVE HYPOGLYCEMIA OF INFANCY. Identifiers: MedGen C0271714, MONDO:0009415, OMIM 240800.
Type 2 diabetes mellitus. Also called: Type II diabetes mellitus. Identifiers: MedGen C0011860, MeSH D003924, MONDO:0005148, OMIM 125853, HP:0005978.
Transitory neonatal diabetes mellitus. Also called: Transient neonatal diabetes mellitus. Identifiers: MedGen C0342273, MONDO:0020525, HP:0008255.
Hereditary hyperinsulinism.

Allele frequency attached by ClinVar (database versions not stated): gnomAD 0.00001; TOPMed 0.00001.
gnomAD v4.1: 1 of 1,614,044 alleles (0.000062%); highest among the groups gnomAD compares: African/African-American, 0.0013%; no homozygotes.

Submissions (6):

Natera, Inc.
Classification: Likely pathogenic for Hereditary hyperinsulinism. Last evaluated: 2025-03-28. Review status: criteria provided, single submitter. Criteria: Natera Variant Classification Schema (03/2026). Collection method: clinical testing. Allele origin: germline.
Comment: The c.1177-1G>A variant in ABCC8 is a canonical splice acceptor site variant predicted to affect pre-mRNA splicing, which may result in an abnormal transcript and altered protein product. This variant is expected to result in nonsense mediated decay, truncation, or a dysfunctional protein product. This variant is rare in the general population with a frequency below the threshold expected for the associated phenotype(s). Given the available evidence, this variant is classified as Likely Pathogenic.

Fulgent Genetics
Classification: Likely pathogenic for Type 2 diabetes mellitus; Leucine-induced hypoglycemia; Hyperinsulinemic hypoglycemia, familial, 1; Diabetes mellitus, transient neonatal, 2; Diabetes mellitus, permanent neonatal 3. Last evaluated: 2024-03-08. Review status: criteria provided, single submitter. Criteria: ACMG Guidelines, 2015. Collection method: clinical testing. Allele origin: germline.

Labcorp Genetics (formerly Invitae), Labcorp
Classification: Likely pathogenic. Last evaluated: 2023-09-10. Review status: criteria provided, single submitter. Criteria: Invitae Variant Classification Sherloc (09022015). Collection method: clinical testing. Allele origin: germline.
Comment: This sequence change affects an acceptor splice site in intron 7 of the ABCC8 gene. It is expected to disrupt RNA splicing. Variants that disrupt the donor or acceptor splice site typically lead to a loss of protein function (PMID: 16199547), and loss-of-function variants in ABCC8 are known to be pathogenic (PMID: 20685672, 23345197). This variant is not present in population databases (gnomAD no frequency). Algorithms developed to predict the effect of sequence changes on RNA splicing suggest that this variant may disrupt the consensus splice site. ClinVar contains an entry for this variant (Variation ID: 556901). This variant has not been reported in the literature in individuals affected with ABCC8-related conditions. In summary, the currently available evidence indicates that the variant is pathogenic, but additional data are needed to prove that conclusively. Therefore, this variant has been classified as Likely Pathogenic.

Clinical Genomics, Uppaluri K&H Personalized Medicine Clinic
Classification: Uncertain significance for Transitory neonatal diabetes mellitus. Review status: criteria provided, single submitter. Criteria: K & H Uppaluri Personalized Medicine Clinic Variant Classification & Assertion Criteria_Updated V.1. Collection method: research. Allele origin: unknown. Inheritance: Somatic mutation.
Comment: Mutations in ABCC8 gene are associated with both neonatal diabetes mellitus as well as MODY. Patients with this mutation may have a better response to sulfonylureas. However, no sufficient evidence is found to ascertain the role of this particular variant ( rs1167993548) in neonatal diabetes yet.

Clinical Genomics, Uppaluri K&H Personalized Medicine Clinic
Classification: Uncertain significance for Maturity-onset diabetes of the young. Review status: criteria provided, single submitter. Criteria: K & H Uppaluri Personalized Medicine Clinic Variant Classification & Assertion Criteria_Updated V.1. Collection method: research. Allele origin: unknown. Inheritance: Somatic mutation.
Comment: Mutations in ABCC8 gene are associated with both neonatal diabetes mellitus as well as MODY. Patients with this mutation may have a better response to sulfonylureas. However, no sufficient evidence is found to ascertain the role of this particular variant ( rs1167993548) in MODY yet.

Counsyl
Classification: Likely pathogenic for Hyperinsulinemic hypoglycemia, familial, 1. Last evaluated: 2018-02-26. Review status: no assertion criteria provided. Collection method: clinical testing. Allele origin: unknown. Not counted in ClinVar's aggregate classification.

Literature cited by the submitters: PubMed 16199547 (cited by Labcorp Genetics (formerly Invitae), Labcorp); PubMed 20685672 (cited by Labcorp Genetics (formerly Invitae), Labcorp); PubMed 23345197 (cited by Labcorp Genetics (formerly Invitae), Labcorp); PubMed 16885549 (cited by Clinical Genomics, Uppaluri K&H Personalized Medicine Clinic); PubMed 21989597 (cited by Clinical Genomics, Uppaluri K&H Personalized Medicine Clinic); PubMed 27538677 (cited by Clinical Genomics, Uppaluri K&H Personalized Medicine Clinic); PubMed 18981553 (cited by Clinical Genomics, Uppaluri K&H Personalized Medicine Clinic); PubMed 32027066 (cited by Clinical Genomics, Uppaluri K&H Personalized Medicine Clinic); PubMed 16613899 (cited by Clinical Genomics, Uppaluri K&H Personalized Medicine Clinic); PubMed 18025408 (cited by Clinical Genomics, Uppaluri K&H Personalized Medicine Clinic); PubMed 32792356 (cited by Clinical Genomics, Uppaluri K&H Personalized Medicine Clinic).